The following is an entry in ClinVar:

ClinVar aggregate classification (germline): Uncertain significance (1 of 4 stars; one submission).

Conditions:
Kabuki syndrome. Also called: Kabuki make-up syndrome; NIIKAWA-KUROKI SYNDROME. Identifiers: Orphanet 2322, MedGen C0796004, MONDO:0016512.

Submission:

Labcorp Genetics (formerly Invitae), Labcorp
Classification: Uncertain significance for Kabuki syndrome. Last evaluated: 2024-10-24. Review status: criteria provided, single submitter. Criteria: Invitae Variant Classification Sherloc (09022015). Collection method: clinical testing. Allele origin: germline.
Comment: This sequence change replaces alanine, which is neutral and non-polar, with threonine, which is neutral and polar, at codon 4826 of the KMT2D protein (p.Ala4826Thr). This variant is not present in population databases (gnomAD no frequency). This variant has not been reported in the literature in individuals affected with KMT2D-related conditions. Invitae Evidence Modeling of protein sequence and biophysical properties (such as structural, functional, and spatial information, amino acid conservation, physicochemical variation, residue mobility, and thermodynamic stability) indicates that this missense variant is not expected to disrupt KMT2D protein function with a negative predictive value of 95%. In summary, the available evidence is currently insufficient to determine the role of this variant in disease. Therefore, it has been classified as a Variant of Uncertain Significance.

NM_003482.4(KMT2D):c.14476G>A (p.Ala4826Thr)

Gene: KMT2D (lysine methyltransferase 2D; minus strand). Cytogenetic location: 12q13.12.
Variant type: single nucleotide variant.
Coding change: c.14476G>A on transcript NM_003482.4 (MANE Select); coding-DNA position 14476, G replaced by A.
Protein change: p.Ala4826Thr; replaces alanine 4826 with threonine.
Molecular consequence: missense variant.
Genome position (GRCh38, 1-based): chr12:49,028,048, C>T on the plus strand (G>A on the coding strand, the complement: KMT2D is on the minus strand). VCF-style: chr12-49028048-C-T. GRCh37 (hg19) VCF-style: chr12-49421831-C-T.
Other names: short protein forms A4826T.
Identifiers: ClinVar variation 2987758 (VCV002987758.3), dbSNP rs2120378425, ClinGen allele CA384695037.